The following is an entry in ClinVar:

NM_001393769.1(MED12L):c.6151C>G (p.Gln2051Glu)

Gene: MED12L (mediator complex subunit 12L; plus strand). Cytogenetic location: 3q25.1.
Variant type: single nucleotide variant.
Coding change: c.6151C>G on transcript NM_001393769.1 (MANE Select); coding-DNA position 6151, C replaced by G.
Protein change: p.Gln2051Glu; replaces glutamine 2051 with glutamic acid.
Molecular consequence: missense variant.
Genome position (GRCh38, 1-based): chr3:151,413,149, C>G. VCF-style: chr3-151413149-C-G. GRCh37 (hg19) VCF-style: chr3-151130937-C-G.
Other names: c.6046C>G, p.Gln2016Glu (NM_053002.6); c.6046C>G (NM_053002.4); short protein forms Q2016E, Q2051E.
Identifiers: ClinVar variation 2630691 (VCV002630691.2), dbSNP rs748555256, ClinGen allele CA2668997.

ClinVar aggregate classification (germline): Uncertain significance. Review status: criteria provided, multiple submitters, no conflicts (2 of 4 stars). 2 submissions from 2 submitters: Uncertain significance (2). Last evaluated 2025-08-10.

Conditions:
MED12L-related disorder. Also called: MED12L-related condition.
Inborn genetic diseases. Identifiers: MedGen C0950123, MeSH D030342.

Allele frequency attached by ClinVar (database versions not stated): gnomAD exomes below 0.00001; ExAC 0.00001.
gnomAD v4.1: 3 of 1,612,516 alleles (0.00019%); highest among the groups gnomAD compares: Non-Finnish European, 0.00025%; no homozygotes.

Submissions (2):

Ambry Genetics
Classification: Uncertain significance for Inborn genetic diseases. Last evaluated: 2025-08-10. Review status: criteria provided, single submitter. Criteria: Ambry Variant Classification Scheme 2023. Collection method: clinical testing. Allele origin: germline.

PreventionGenetics, part of Exact Sciences
Classification: Uncertain significance for MED12L-related condition. Last evaluated: 2023-09-16. Review status: criteria provided, single submitter. Criteria: ACMG Guidelines, 2015. Collection method: clinical testing. Allele origin: germline.
Comment: The MED12L c.6046C>G variant is predicted to result in the amino acid substitution p.Gln2016Glu. To our knowledge, this variant has not been reported in the literature. This variant is reported in 0.00088% of alleles in individuals of European (Non-Finnish) descent in gnomAD. At this time, the clinical significance of this variant is uncertain due to the absence of conclusive functional and genetic evidence.